The following is an entry in ClinVar:

ClinVar aggregate classification (germline): Uncertain significance. Review status: criteria provided, multiple submitters, no conflicts (2 of 4 stars). 2 submissions from 2 submitters: Uncertain significance (2). Last evaluated 2025-01-18.

Conditions:
Granulomatous disease, chronic, autosomal recessive, cytochrome b-negative. Also called: CGD DUE TO DEFICIENCY OF THE ALPHA SUBUNIT OF CYTOCHROME b; CGD, AUTOSOMAL RECESSIVE CYTOCHROME b-NEGATIVE; GRANULOMATOUS DISEASE, CHRONIC, AUTOSOMAL RECESSIVE, 4; Chronic granulomatous disease, autosomal, due to deficiency of CYBA; CYBA DEFICIENCY. Identifiers: Orphanet 379, MedGen C1856255, MONDO:0009308, OMIM 233690.
Inborn genetic diseases. Identifiers: MedGen C0950123, MeSH D030342.

Allele frequency attached by ClinVar (database versions not stated): TOPMed 0.00002; gnomAD 0.00003.
gnomAD v4.1: 55 of 1,555,344 alleles (0.0035%); highest among the groups gnomAD compares: South Asian, 0.0095%; 1 homozygote.

Submissions (2):

Ambry Genetics
Classification: Uncertain significance for Inborn genetic diseases. Last evaluated: 2025-01-18. Review status: criteria provided, single submitter. Criteria: Ambry Variant Classification Scheme 2023. Collection method: clinical testing. Allele origin: germline.

Labcorp Genetics (formerly Invitae), Labcorp
Classification: Uncertain significance for Granulomatous disease, chronic, autosomal recessive, cytochrome b-negative. Last evaluated: 2021-11-16. Review status: criteria provided, single submitter. Criteria: Invitae Variant Classification Sherloc (09022015). Collection method: clinical testing. Allele origin: germline.
Comment: This sequence change replaces glycine, which is neutral and non-polar, with serine, which is neutral and polar, at codon 119 of the CYBA protein (p.Gly119Ser). The frequency data for this variant in the population databases is considered unreliable, as metrics indicate poor data quality at this position in the gnomAD database. This variant has not been reported in the literature in individuals affected with CYBA-related conditions. Algorithms developed to predict the effect of missense changes on protein structure and function output the following: SIFT: "Tolerated"; PolyPhen-2: "Benign"; Align-GVGD: "Class C0". The serine amino acid residue is found in multiple mammalian species, which suggests that this missense change does not adversely affect protein function. Algorithms developed to predict the effect of sequence changes on RNA splicing suggest that this variant may create or strengthen a splice site. In summary, the available evidence is currently insufficient to determine the role of this variant in disease. Therefore, it has been classified as a Variant of Uncertain Significance.

NM_000101.4(CYBA):c.355G>A (p.Gly119Ser)

Gene: CYBA (cytochrome b-245 alpha chain; minus strand). Cytogenetic location: 16q24.2.
Variant type: single nucleotide variant.
Coding change: c.355G>A on transcript NM_000101.4 (MANE Select); coding-DNA position 355, G replaced by A.
Protein change: p.Gly119Ser; replaces glycine 119 with serine.
Molecular consequence: missense variant.
Genome position (GRCh38, 1-based): chr16:88,646,130, C>T on the plus strand (G>A on the coding strand, the complement: CYBA is on the minus strand). VCF-style: chr16-88646130-C-T. GRCh37 (hg19) VCF-style: chr16-88712538-C-T.
Other names: short protein forms G119S.
Identifiers: ClinVar variation 2161435 (VCV002161435.2), dbSNP rs1338295833, ClinGen allele CA397062834.